The following is an entry in ClinVar:

ClinVar aggregate classification (germline): Benign. Review status: reviewed by expert panel (3 of 4 stars). 4 submissions from 4 submitters: Benign (1). 3 of the submissions do not count toward it. Last evaluated 2026-04-20.

Conditions:
Arginine:glycine amidinotransferase deficiency (CCDS3). Also called: L-Arginine:Glycine Amidinotransferase Deficiency; Cerebral creatine deficiency syndrome 3; L-Arginine:Glycine Amidinotransferase (AGAT) Deficiency; AGAT deficiency; Creatine deficiency syndrome due to AGAT deficiency; GATM deficiency. Identifiers: Orphanet 35704, MedGen C2675179, MONDO:0012996, OMIM 612718.
Fanconi renotubular syndrome 1. Also called: FRTS1; Toni-Debre-Fanconi syndrome; Neonatal De Toni-Debre-Fanconi syndrome; De Toni-Fanconi syndrome; LUDER-SHELDON SYNDROME. Identifiers: MedGen C4551503, MONDO:0024525, OMIM 134600.

Allele frequency attached by ClinVar (database versions not stated): gnomAD 0.00004 and 0.00007; TOPMed 0.00005; ESP Exome Variant Server 0.00008; gnomAD exomes 0.00009 and 0.00018; ExAC 0.00018.
gnomAD v4.1: 146 of 1,613,482 alleles (0.009%); highest among the groups gnomAD compares: South Asian, 0.091%; 2 homozygotes.

Submissions (5):

ClinGen Cerebral Creatine Deficiency Syndromes Variant Curation Expert Panel, ClinGen
Classification: Benign for Arginine:glycine amidinotransferase deficiency. Last evaluated: 2026-04-20. Review status: reviewed by expert panel. Criteria: ClinGen CCDS ACMG Specifications GATM V2.0.0. Collection method: curation. Allele origin: germline. Inheritance: Autosomal recessive inheritance.
Comment: The NM_001482.3:c.1244G>A variant in GATM is a missense variant predicted to cause the substitution of an arginine by a glutamine at amino acid position 415 (p.Arg415Gln). The Total GrpMax filtering allele frequency in gnomAD v4.1.0. is 0.0007524 from the South Asian genetic ancestry group (the lower threshold of the 95% CI of 83/91072 alleles, with one homozygote), which is higher than the ClinGen CCDS VCEP's threshold (>0.0005) for BA1, and therefore meets this criterion (BA1). Expression of the variant in HeLa cells resulted in 39% wild type AGAT activity suggesting that this variant does not significantly impact protein function (PMID: 27233232) (BS3_Supporting). The computational predictor REVEL gives a score of 0.201 which is neither above nor below the thresholds predicting a damaging (>0.75) or benign (<0.15) impact on AGAT function. There is a ClinVar entry for this variant (Variation ID: 225921). In summary, this variant meets the criteria to be classified as benign for AGAT deficiency based on the ACMG/AMP criteria applied, as specified by the ClinGen Cerebral Creatine Deficiency Syndromes Variant Curation Expert Panel (Specifications Version 2.0.0): BA1, BS3_Supporting. (Classification approved by the ClinGen Cerebral Creatine Deficiency Syndromes Variant Curation Expert Panel on April 20, 2026).

GeneDx
Classification: Uncertain significance. Last evaluated: 2025-10-01. Review status: criteria provided, single submitter. Criteria: GeneDx Variant Classification Process June 2021. Collection method: clinical testing. Allele origin: germline. Affected: yes. Not counted in ClinVar's aggregate classification.
Comment: Published functional studies demonstrate no damaging effect (PMID: 27233232); In silico analysis supports that this missense variant has a deleterious effect on protein structure/function; Has not been previously published as pathogenic or benign to our knowledge; This variant is associated with the following publications: (PMID: 27233232)

Labcorp Genetics (formerly Invitae), Labcorp
Classification: Uncertain significance for Arginine:glycine amidinotransferase deficiency. Last evaluated: 2024-10-10. Review status: criteria provided, single submitter. Criteria: Invitae Variant Classification Sherloc (09022015). Collection method: clinical testing. Allele origin: germline. Not counted in ClinVar's aggregate classification.
Comment: This sequence change replaces arginine, which is basic and polar, with glutamine, which is neutral and polar, at codon 415 of the GATM protein (p.Arg415Gln). The frequency data for this variant in the population databases is considered unreliable, as metrics indicate poor data quality at this position in the gnomAD database. This variant has not been reported in the literature in individuals affected with GATM-related conditions. ClinVar contains an entry for this variant (Variation ID: 225921). Invitae Evidence Modeling of protein sequence and biophysical properties (such as structural, functional, and spatial information, amino acid conservation, physicochemical variation, residue mobility, and thermodynamic stability) indicates that this missense variant is not expected to disrupt GATM protein function with a negative predictive value of 95%. Experimental studies have shown that this missense change does not substantially affect GATM function (PMID: 27233232). In summary, the available evidence is currently insufficient to determine the role of this variant in disease. Therefore, it has been classified as a Variant of Uncertain Significance.

Fulgent Genetics
Classification: Uncertain significance for Fanconi renotubular syndrome 1; Arginine:glycine amidinotransferase deficiency. Last evaluated: 2023-12-27. Review status: criteria provided, single submitter. Criteria: ACMG Guidelines, 2015. Collection method: clinical testing. Allele origin: germline. Not counted in ClinVar's aggregate classification.

Hospital for Sick Children
No classification provided (evidence only). Review status: no classification provided. Collection method: in vitro. Allele origin: not applicable. Functional consequence: no known functional consequence. Not counted in ClinVar's aggregate classification.
ClinVar note: "not provided" was previously submitted as the classification for the variant. However, the classification appeared to be based only on an observation of functional data so it was converted to no classification on 2025-07-30.

Literature cited by the submitters: PubMed 27233232 (cited by 3 submitters).

NM_001482.3(GATM):c.1244G>A (p.Arg415Gln)

Gene: GATM (glycine amidinotransferase; minus strand). Cytogenetic location: 15q21.1.
Variant type: single nucleotide variant.
Coding change: c.1244G>A on transcript NM_001482.3 (MANE Select); coding-DNA position 1244, G replaced by A.
Protein change: p.Arg415Gln; replaces arginine 415 with glutamine.
Molecular consequence: missense variant.
Genome position (GRCh38, 1-based): chr15:45,362,137, C>T on the plus strand (G>A on the coding strand, the complement: GATM is on the minus strand). VCF-style: chr15-45362137-C-T. GRCh37 (hg19) VCF-style: chr15-45654335-C-T.
Other names: NM_001482.3(GATM):c.1244G>A; p.Arg415Gln; c.857G>A, p.Arg286Gln (NM_001321015.2); short protein forms R415Q, R286Q.
Identifiers: ClinVar variation 225921 (VCV000225921.19), dbSNP rs374592247, ClinGen allele CA7542752.
Genomic context (GRCh38, chr15:45,362,137, plus strand): 5'-CTGAGGCCAGCCACAAGCTCCATCAGGCCTGTTCAGTCCAAGTAGGACTGTAAGGTGCCT[C>T]GGCGCCGGACATCGCAGGTCCAGCAATGGAAGCCTCCTCCCAGGGAATTGGCATTACGAA-3'
Protein context (NP_001473.1, residues 405-423): FHCWTCDVRR[Arg415Gln]GTLQSYLD